The following is an entry in ClinVar:

ClinVar aggregate classification (germline): Uncertain significance (1 of 4 stars; one submission).

Conditions:
Aldosterone-producing adenoma with seizures and neurological abnormalities. Also called: Primary aldosteronism, seizures, and neurologic abnormalities. Identifiers: Orphanet 369929, MedGen C3809609, MONDO:0014200, OMIM 615474.

Submission:

Foundation for Research in Genetics and Endocrinology, FRIGE's Institute of Human Genetics
Classification: Uncertain significance for Aldosterone-producing adenoma with seizures and neurological abnormalities. Last evaluated: 2021-12-15. Review status: criteria provided, single submitter. Criteria: ACMG Guidelines, 2015. Collection method: clinical testing. Allele origin: germline. Inheritance: Autosomal dominant inheritance. Affected: yes. Observed: 1 heterozygote.
Comment: A heterozygous missense variation in exon 28 of the CACNA1D gene that results in the amino acid substitution of Threonine for Isoleucine at codon 1172 was detected. The observed variant c.3515T>C (p.Ile1172Thr) has not been reported in the 1000 genomes and gnomAD database respectively. The in silico prediction of the variant are probably damaging by PolyPhen-2 and damaging by SIFT, LRT and MutationTaster2. The reference codon is conserved across species. In summary, the variant meets our criteria to be classified as a variant of uncertain significance.

NM_001128840.3(CACNA1D):c.3455T>C (p.Ile1152Thr)

Genes: CACNA1D (calcium voltage-gated channel subunit alpha1 D; plus strand), LOC129936904 (ATAC-STARR-seq lymphoblastoid active region 19969; plus strand). Cytogenetic location: 3p21.1.
Variant type: single nucleotide variant.
Coding change: c.3455T>C on transcript NM_001128840.3 (MANE Select); coding-DNA position 3455, T replaced by C.
Protein change: p.Ile1152Thr; replaces isoleucine 1152 with threonine.
Molecular consequence: missense variant.
Genome position (GRCh38, 1-based): chr3:53,749,408, T>C. VCF-style: chr3-53749408-T-C. GRCh37 (hg19) VCF-style: chr3-53783435-T-C.
Other names: p.Ile1172Thr; c.3515T>C, p.Ile1172Thr (NM_000720.4); c.3455T>C, p.Ile1152Thr (NM_001128839.3); short protein forms I1152T, I1172T.
Identifiers: ClinVar variation 1691449 (VCV001691449.4), dbSNP rs2108865550, ClinGen allele CA353249061.
Genomic context (GRCh38, chr3:53,749,408, plus strand): 5'-TCATCATCTACATCATCATTGTAGCTTTCTTCATGATGAACATCTTTGTGGGCTTTGTCA[T>C]CGTTACATTTCAGGAACAAGGAGAAAAAGAGTATAAGAACTGTGAGCTGGACAAAAATCA-3'
Protein context (NP_001122312.1, residues 1142-1162): FMMNIFVGFV[Ile1152Thr]VTFQEQGEKE